The following is an entry in ClinVar:

ClinVar aggregate classification (germline): Uncertain significance (1 of 4 stars; one submission).

Allele frequency attached by ClinVar (database versions not stated): ESP Exome Variant Server 0.00015; gnomAD 0.00016; 1000 Genomes Project 30x 0.00047; 1000 Genomes Project 0.00060.
gnomAD v4.1: 371 of 1,613,982 alleles (0.023%); highest among the groups gnomAD compares: East Asian, 0.66%; 3 homozygotes.

Submission:

Labcorp Genetics (formerly Invitae), Labcorp
Classification: Uncertain significance. Last evaluated: 2022-03-22. Review status: criteria provided, single submitter. Criteria: Invitae Variant Classification Sherloc (09022015). Collection method: clinical testing. Allele origin: germline.
Comment: This sequence change replaces valine, which is neutral and non-polar, with methionine, which is neutral and non-polar, at codon 949 of the PCDH12 protein (p.Val949Met). This variant is present in population databases (rs141990944, gnomAD 0.06%). This variant has not been reported in the literature in individuals affected with PCDH12-related conditions. Advanced modeling of protein sequence and biophysical properties (such as structural, functional, and spatial information, amino acid conservation, physicochemical variation, residue mobility, and thermodynamic stability) performed at Invitae indicates that this missense variant is not expected to disrupt PCDH12 protein function. In summary, the available evidence is currently insufficient to determine the role of this variant in disease. Therefore, it has been classified as a Variant of Uncertain Significance.

NM_016580.4(PCDH12):c.2845G>A (p.Val949Met)

Genes: PCDH12 (protocadherin 12; minus strand), RNF14 (ring finger protein 14; plus strand). Cytogenetic location: 5q31.3.
Variant type: single nucleotide variant.
Coding change: c.2845G>A on transcript NM_016580.4 (MANE Select); coding-DNA position 2845, G replaced by A.
Protein change: p.Val949Met; replaces valine 949 with methionine.
Molecular consequence: missense variant.
Genome position (GRCh38, 1-based): chr5:141,955,007, C>T on the plus strand (G>A on the coding strand, the complement: PCDH12 is on the minus strand). VCF-style: chr5-141955007-C-T. GRCh37 (hg19) VCF-style: chr5-141334572-C-T.
Other names: short protein forms V949M.
Identifiers: ClinVar variation 2144856 (VCV002144856.1), dbSNP rs141990944, ClinGen allele CA3484117.